The following is an entry in ClinVar:

NM_001199107.2(TBC1D24):c.116C>A (p.Ala39Glu)

Gene: TBC1D24 (TBC1 domain family member 24; plus strand). Cytogenetic location: 16p13.3.
Variant type: single nucleotide variant.
Coding change: c.116C>A on transcript NM_001199107.2 (MANE Select); coding-DNA position 116, C replaced by A.
Protein change: p.Ala39Glu; replaces alanine 39 with glutamic acid.
Molecular consequence: missense variant.
Genome position (GRCh38, 1-based): chr16:2,496,264, C>A. VCF-style: chr16-2496264-C-A. GRCh37 (hg19) VCF-style: chr16-2546265-C-A.
Other names: p.Ala39Glu; c.116C>A, p.Ala39Glu (NM_020705.3); short protein forms A39E.
Identifiers: ClinVar variation 449916 (VCV000449916.31), dbSNP rs773916549, ClinGen allele CA7843923.

ClinVar aggregate classification (germline): Conflicting classifications of pathogenicity. Review status: criteria provided, conflicting classifications (1 of 4 stars). 6 submissions from 6 submitters: Likely pathogenic (2); Uncertain significance (4). Last evaluated 2026-10-01.

Conditions:
TBC1D24-related disorder. Also called: TBC1D24-related condition; TBC1D24-related disorders. Identifiers: MedGen CN381194.
Autosomal dominant nonsyndromic hearing loss 65. Also called: Deafness, autosomal dominant 65; TBC1D24-Related Autosomal Dominant Nonsyndromic Hearing Loss (DFNA). Identifiers: Orphanet 90635, MedGen C3892048, MONDO:0014470, OMIM 616044.
Developmental and epileptic encephalopathy, 1 (DEE1). Also called: INFANTILE SPASM SYNDROME, X-LINKED 1; X-linked infantile spasms; West's syndrome; Tonic spasms with clustering, arrest of psychomotor development and hypsarrhythmia on EEG; X-Linked Infantile Spasm Syndrome; OHTAHARA SYNDROME, X-LINKED. Identifiers: MedGen C3463992, MONDO:0010632, OMIM 308350. Disease mechanism: loss of function.

Allele frequency attached by ClinVar (database versions not stated): TOPMed 0.00002; gnomAD 0.00003.
gnomAD v4.1: 12 of 1,613,670 alleles (0.00074%); highest among the groups gnomAD compares: Non-Finnish European, 0.00093%; no homozygotes.

Submissions (6):

GeneDx
Classification: Likely pathogenic. Last evaluated: 2026-10-01. Review status: criteria provided, single submitter. Criteria: GeneDx Variant Classification Process June 2021. Collection method: clinical testing. Allele origin: germline.
Comment: Not observed at significant frequency in large population cohorts (gnomAD); In silico analysis supports that this missense variant has a deleterious effect on protein structure/function; Has not been previously published as pathogenic or benign to our knowledge; This variant is associated with the following publications: (PMID: 28292732, 27281533)

PreventionGenetics, part of Exact Sciences
Classification: Uncertain significance for TBC1D24-related condition. Last evaluated: 2026-07-18. Review status: criteria provided, single submitter. Criteria: ACMG Guidelines, 2015. Collection method: clinical testing. Allele origin: germline.
Comment: The TBC1D24 c.116C>A variant is predicted to result in the amino acid substitution p.Ala39Glu. To our knowledge, this variant has not been reported in the literature. This variant is reported in 0.0047% of alleles in individuals of European (Non-Finnish) descent in gnomAD. Alternative variants at the same codon p.Ala39Val and p.Ala39Pro were observed in compound heterozygous state with 2nd TBC1D24 variant in individuals with multifocal myoclonus, alternating hemiplegia and epilepsy, focal seizures (Table 1, Zhang et al. 2019. PubMed ID: 31112829; Ragona et al. 2017. PubMed ID: 28292732; Balestrini et al. 2016. PubMed ID: 27281533). Although we suspect that this variant could be pathogenic, at this time, the clinical significance of this variant is uncertain due to the absence of conclusive functional and genetic evidence.

Labcorp Genetics (formerly Invitae), Labcorp
Classification: Likely pathogenic for Developmental and epileptic encephalopathy, 1; Autosomal dominant nonsyndromic hearing loss 65. Last evaluated: 2026-01-21. Review status: criteria provided, single submitter. Criteria: Invitae Variant Classification Sherloc (09022015). Collection method: clinical testing. Allele origin: germline.
Comment: This sequence change replaces alanine, which is neutral and non-polar, with glutamic acid, which is acidic and polar, at codon 39 of the TBC1D24 protein (p.Ala39Glu). This variant is present in population databases (rs773916549, gnomAD 0.003%). This variant has not been reported in the literature in individuals affected with TBC1D24-related conditions. ClinVar contains an entry for this variant (Variation ID: 449916). Invitae Evidence Modeling of protein sequence and biophysical properties (such as structural, functional, and spatial information, amino acid conservation, physicochemical variation, residue mobility, and thermodynamic stability) indicates that this missense variant is expected to disrupt TBC1D24 protein function with a positive predictive value of 95%. This variant disrupts the p.Ala39 amino acid residue in TBC1D24. Other variant(s) that disrupt this residue have been determined to be pathogenic (PMID: 27281533, 31112829; internal data). This suggests that this residue is clinically significant, and that variants that disrupt this residue are likely to be disease-causing. In summary, the currently available evidence indicates that the variant is pathogenic, but additional data are needed to prove that conclusively. Therefore, this variant has been classified as Likely Pathogenic.

CeGaT Center for Human Genetics Tuebingen
Classification: Uncertain significance. Last evaluated: 2025-06-01. Review status: criteria provided, single submitter. Criteria: CeGaT Center For Human Genetics Tuebingen Variant Classification Criteria Version 2. Collection method: clinical testing. Allele origin: germline. Affected: yes. Observed: 1 variant allele.
Comment: TBC1D24: PM1, PM2, PM5:Supporting

Blueprint Genetics
Classification: Uncertain significance. Last evaluated: 2022-09-01. Review status: criteria provided, single submitter. Criteria: ACMG Guidelines, 2015. Collection method: clinical testing. Allele origin: germline.

Laboratory for Molecular Medicine, Mass General Brigham Personalized Medicine
Classification: Uncertain significance. Last evaluated: 2019-06-11. Review status: criteria provided, single submitter. Criteria: LMM Criteria. Collection method: clinical testing. Allele origin: germline. Observed: 2 variant alleles.
Comment: The p.Ala39Glu variant in TBC1D24 has been identified in 1 family with hearing loss by our laboratory, but did not segregate in 6 affected relatives, which indicates that this variant is unlikely to cause autosomal dominant disease. It has also has been identified in 0.004% (6/128310) of European chromosomes by gnomAD. Computational prediction tools and conservation analysis suggest that this variant may impact the protein, though this information is not predictive enough to determine pathogenicity. Two different variants at the same position (p.Ala39Pro and p.Ala39Val) have been reported in individuals with seizure disorders; however those individuals were compound heterozygous with a second TBC1D24 variant (Balestrini 2016, Ragona 2017). In summary, while there is evidence that this variant does not cause autosomal dominant TBC1D24-related disorders, the clinical significance of this variant is uncertain. ACMG/AMP Criteria applied: PM2, PP3.

Literature cited by the submitters: PubMed 27281533 (cited by Labcorp Genetics (formerly Invitae), Labcorp and Laboratory for Molecular Medicine, Mass General Brigham Personalized Medicine); PubMed 31112829 (cited by Labcorp Genetics (formerly Invitae), Labcorp); PubMed 28292732 (cited by Laboratory for Molecular Medicine, Mass General Brigham Personalized Medicine).